The following is an entry in ClinVar:

ClinVar aggregate classification (germline): Uncertain significance. Review status: criteria provided, multiple submitters, no conflicts (2 of 4 stars). 2 submissions from 2 submitters: Uncertain significance (2). Last evaluated 2024-08-31.

Conditions:
Alstrom syndrome (ALMS). Identifiers: Orphanet 64, MedGen C0268425, MONDO:0008763, OMIM 203800.
Cardiovascular phenotype. Identifiers: MedGen CN230736.

Allele frequency attached by ClinVar (database versions not stated): gnomAD exomes below 0.00001 and 0.00001; TOPMed 0.00001; ExAC 0.00002.

Submissions (2):

Labcorp Genetics (formerly Invitae), Labcorp
Classification: Uncertain significance for Alstrom syndrome. Last evaluated: 2024-08-31. Review status: criteria provided, single submitter. Criteria: Invitae Variant Classification Sherloc (09022015). Collection method: clinical testing. Allele origin: germline.
Comment: This sequence change replaces histidine, which is basic and polar, with tyrosine, which is neutral and polar, at codon 157 of the ALMS1 protein (p.His157Tyr). This variant is present in population databases (rs750004908, gnomAD 0.01%). This variant has not been reported in the literature in individuals affected with ALMS1-related conditions. ClinVar contains an entry for this variant (Variation ID: 1448435). Experimental studies and prediction algorithms are not available or were not evaluated, and the functional significance of this variant is currently unknown. In summary, the available evidence is currently insufficient to determine the role of this variant in disease. Therefore, it has been classified as a Variant of Uncertain Significance.

Ambry Genetics
Classification: Uncertain significance for Cardiovascular phenotype. Last evaluated: 2024-07-29. Review status: criteria provided, single submitter. Criteria: Ambry Variant Classification Scheme 2023. Collection method: clinical testing. Allele origin: germline.
Comment: The p.H157Y variant (also known as c.469C>T), located in coding exon 3 of the ALMS1 gene, results from a C to T substitution at nucleotide position 469. The histidine at codon 157 is replaced by tyrosine, an amino acid with similar properties. This amino acid position is not well conserved in available vertebrate species. In addition, the in silico prediction for this alteration is inconclusive. Based on the available evidence, the clinical significance of this variant remains unclear.

NM_001378454.1(ALMS1):c.466C>T (p.His156Tyr)

Gene: ALMS1 (ALMS1 centrosome and basal body associated protein; plus strand). Cytogenetic location: 2p13.1.
Variant type: single nucleotide variant.
Coding change: c.466C>T on transcript NM_001378454.1 (MANE Select); coding-DNA position 466, C replaced by T.
Protein change: p.His156Tyr; replaces histidine 156 with tyrosine.
Molecular consequence: missense variant.
Genome position (GRCh38, 1-based): chr2:73,419,138, C>T. VCF-style: chr2-73419138-C-T. GRCh37 (hg19) VCF-style: chr2-73646266-C-T.
Other names: c.469C>T, p.His157Tyr (NM_015120.4); short protein forms H156Y, H157Y.
Identifiers: ClinVar variation 1448435 (VCV001448435.6), dbSNP rs750004908, ClinGen allele CA1712864.
Genomic context (GRCh38, chr2:73,419,138, plus strand): 5'-AACTCAGTTAATGACTTAGCATGTTTTCCTTTAACATTTTTCTAGAAAACAGAATCTTGG[C>T]ATTGTCTTCCTCAAGAAATGGACTCTTCCCAAACCTTGGATACATCCCAGACTAGGTTTA-3'
Protein context (NP_001365383.1, residues 146-166): SGDDQKTESW[His156Tyr]CLPQEMDSSQ